The following is an entry in ClinVar:

ClinVar aggregate classification (germline): Uncertain significance (1 of 4 stars; one submission).

Allele frequency attached by ClinVar (database versions not stated): gnomAD exomes below 0.00001.
gnomAD v4.1: 1 of 1,614,104 alleles (0.000062%); highest among the groups gnomAD compares: Admixed American, 0.0017%; no homozygotes.

Submission:

Ambry Genetics
Classification: Uncertain significance. Last evaluated: 2023-07-09. Review status: criteria provided, single submitter. Criteria: Ambry Variant Classification Scheme 2023. Collection method: clinical testing. Allele origin: germline.
Comment: The p.E40K variant (also known as c.118G>A), located in coding exon 3 of the RAD54L gene, results from a G to A substitution at nucleotide position 118. The glutamic acid at codon 40 is replaced by lysine, an amino acid with similar properties. This amino acid position is conserved. In addition, this alteration is predicted to be tolerated by in silico analysis. Since supporting evidence is limited at this time, the clinical significance of this alteration remains unclear.

NM_003579.4(RAD54L):c.118G>A (p.Glu40Lys)

Gene: RAD54L (RAD54 like; plus strand). Cytogenetic location: 1p34.1.
Variant type: single nucleotide variant.
Coding change: c.118G>A on transcript NM_003579.4 (MANE Select); coding-DNA position 118, G replaced by A.
Protein change: p.Glu40Lys; replaces glutamic acid 40 with lysine.
Molecular consequence: missense variant. On other transcripts: 5 prime UTR variant (1).
Genome position (GRCh38, 1-based): chr1:46,250,027, G>A. VCF-style: chr1-46250027-G-A. GRCh37 (hg19) VCF-style: chr1-46715699-G-A.
Other names: c.118G>A, p.Glu40Lys (NM_001142548.2); c.-423G>A (NM_001370766.1); short protein forms E40K.
Identifiers: ClinVar variation 2625151 (VCV002625151.2), dbSNP rs1421471663, ClinGen allele CA340175598.
Genomic context (GRCh38, chr1:46,250,027, plus strand): 5'-CTAGACTTCACCTTTCCCAATTCTCTCTCCTAGACTCCTAGGAAACGGAAATCCAGCAGT[G>A]AGACCCAGATCCAGGAGTGTTTCCTGTCTCCTTTTCGGAAACCTTTGAGTCAGCTAACCA-3'
Protein context (NP_003570.2, residues 30-50): VTPRKRKSSS[Glu40Lys]TQIQECFLSP